The following is an entry in ClinVar:

NM_001034116.2(EIF2B4):c.66_75+18del

Gene: EIF2B4 (eukaryotic translation initiation factor 2B subunit delta; minus strand). Cytogenetic location: 2p23.3.
Variant type: Deletion.
Coding change: c.66_75+18del on transcript NM_001034116.2 (MANE Select); coding-DNA position 66 through 18 bases into the intron after coding-DNA position 75, 28 bases deleted (TGGGCCTGGGGTAAGTGAGGCTTCCCTC).
Molecular consequence: splice donor variant.
Genome position (GRCh38, 1-based): chr2:27,369,858-27,369,885, GAGGGAAGCCTCACTTACCCCAGGCCCA deleted on the plus strand (TGGGCCTGGGGTAAGTGAGGCTTCCCTC on the coding strand, the reverse complement: EIF2B4 is on the minus strand); deleting any 28 consecutive bases within chr2:27,369,858-27,369,886 gives the same sequence; the c. name uses the placement nearest the transcript's 3' end. VCF-style (leftmost placement, unchanged base first): chr2-27369857-GGAGGGAAGCCTCACTTACCCCAGGCCCA-G. GRCh37 (hg19) VCF-style: chr2-27592724-GGAGGGAAGCCTCACTTACCCCAGGCCCA-G.
Other names: c.-21_-12+18del (NM_001318967.2); c.66_75+18del (NM_015636.4); c.-527_-518+18del (NM_001318969.2); c.21_30+18del (NM_001318966.2); c.129_138+18del (NM_172195.4, NM_001318965.2); c.-450_-441+18del (NM_001318968.2).
Identifiers: ClinVar variation 2817204 (VCV002817204.3), dbSNP rs2465534524, ClinGen allele CA2739274260.

ClinVar aggregate classification (germline): Likely pathogenic (1 of 4 stars; one submission).

Submission:

Labcorp Genetics (formerly Invitae), Labcorp
Classification: Likely pathogenic. Last evaluated: 2022-11-28. Review status: criteria provided, single submitter. Criteria: Invitae Variant Classification Sherloc (09022015). Collection method: clinical testing. Allele origin: germline.
Comment: In summary, the currently available evidence indicates that the variant is pathogenic, but additional data are needed to prove that conclusively. Therefore, this variant has been classified as Likely Pathogenic. Algorithms developed to predict the effect of sequence changes on RNA splicing suggest that this variant may disrupt the consensus splice site. This variant has not been reported in the literature in individuals affected with EIF2B4-related conditions. This variant is not present in population databases (gnomAD no frequency). This variant results in the deletion of part of exon 2 (c.66_75+18del) of the EIF2B4 gene. It is expected to disrupt RNA splicing. Variants that disrupt the donor or acceptor splice site typically lead to a loss of protein function (PMID: 16199547), and loss-of-function variants in EIF2B4 are known to be pathogenic (PMID: 11835386, 15776425, 16807905).

Literature cited by the submitters: PubMed 16199547; PubMed 11835386; PubMed 15776425; PubMed 16807905.